The following is an entry in ClinVar:

NM_199420.4(POLQ):c.2852A>G (p.His951Arg)

Gene: POLQ (DNA polymerase theta; minus strand). Cytogenetic location: 3q13.33.
Variant type: single nucleotide variant.
Coding change: c.2852A>G on transcript NM_199420.4 (MANE Select); coding-DNA position 2852, A replaced by G.
Protein change: p.His951Arg; replaces histidine 951 with arginine.
Molecular consequence: missense variant.
Genome position (GRCh38, 1-based): chr3:121,490,079, T>C on the plus strand (A>G on the coding strand, the complement: POLQ is on the minus strand). VCF-style: chr3-121490079-T-C. GRCh37 (hg19) VCF-style: chr3-121208926-T-C.
Other names: short protein forms H951R.
Identifiers: ClinVar variation 3422382 (VCV003422382.1).

ClinVar aggregate classification (germline): Uncertain significance (1 of 4 stars; one submission).

gnomAD v4.1: 1 of 1,584,912 alleles (0.000063%); highest among the groups gnomAD compares: Non-Finnish European, 0.000086%; no homozygotes.

Submission:

Ambry Genetics
Classification: Uncertain significance. Last evaluated: 2024-11-16. Review status: criteria provided, single submitter. Criteria: Ambry Variant Classification Scheme 2023. Collection method: clinical testing. Allele origin: germline.
Comment: The p.H951R variant (also known as c.2852A>G), located in coding exon 16 of the POLQ gene, results from an A to G substitution at nucleotide position 2852. The histidine at codon 951 is replaced by arginine, an amino acid with highly similar properties. This amino acid position is conserved. In addition, this alteration is predicted to be tolerated by in silico analysis. Based on the available evidence, the clinical significance of this variant remains unclear.